The following is an entry in ClinVar:

ClinVar aggregate classification (germline): Uncertain significance. Review status: criteria provided, multiple submitters, no conflicts (2 of 4 stars). 5 submissions from 5 submitters: Uncertain significance (4). 1 of the submissions does not count toward it. Last evaluated 2025-06-23.

Conditions:
Hereditary cancer-predisposing syndrome. Also called: Hereditary Cancer Syndrome; Neoplastic Syndromes, Hereditary; Tumor predisposition; Hereditary neoplastic syndrome. Identifiers: Orphanet 140162, MedGen C0027672, MeSH D009386, MONDO:0015356.
Familial cancer of breast. Also called: BREAST CANCER, FAMILIAL; Hereditary breast cancer; hereditary breast carcinoma. Identifiers: Orphanet 227535, MedGen C0346153, MONDO:0016419, OMIM 114480. Disease mechanism: loss of function.
Malignant tumor of breast. Also called: Malignant breast neoplasm; Cancer breast. Identifiers: MedGen C0006142, MONDO:0007254. Disease mechanism: loss of function.

Allele frequency attached by ClinVar (database versions not stated): gnomAD below 0.00001 and 0.00002; gnomAD exomes 0.00001; ExAC 0.00002; 1000 Genomes Project 30x 0.00031; 1000 Genomes Project 0.00040.
gnomAD v4.1: 20 of 1,614,072 alleles (0.0012%); highest among the groups gnomAD compares: South Asian, 0.019%; no homozygotes.

Submissions (5):

Ambry Genetics
Classification: Uncertain significance for Hereditary cancer-predisposing syndrome. Last evaluated: 2025-06-23. Review status: criteria provided, single submitter. Criteria: Ambry Variant Classification Scheme 2023. Collection method: clinical testing. Allele origin: germline.
Comment: The p.N154K variant (also known as c.462C>G), located in coding exon 3 of the CHEK2 gene, results from a C to G substitution at nucleotide position 462. The asparagine at codon 154 is replaced by lysine, an amino acid with similar properties. This amino acid position is highly conserved in available vertebrate species. In addition, the in silico prediction for this alteration is inconclusive. Based on the available evidence, the clinical significance of this variant remains unclear.

Labcorp Genetics (formerly Invitae), Labcorp
Classification: Uncertain significance for Familial cancer of breast. Last evaluated: 2023-10-13. Review status: criteria provided, single submitter. Criteria: Invitae Variant Classification Sherloc (09022015). Collection method: clinical testing. Allele origin: germline.
Comment: This sequence change replaces asparagine, which is neutral and polar, with lysine, which is basic and polar, at codon 154 of the CHEK2 protein (p.Asn154Lys). This variant is present in population databases (rs564924749, gnomAD 0.01%). This variant has not been reported in the literature in individuals affected with CHEK2-related conditions. ClinVar contains an entry for this variant (Variation ID: 479564). An algorithm developed to predict the effect of missense changes on protein structure and function (PolyPhen-2) suggests that this variant¬†is likely to be tolerated. In summary, the available evidence is currently insufficient to determine the role of this variant in disease. Therefore, it has been classified as a Variant of Uncertain Significance.

Color Diagnostics, LLC DBA Color Health
Classification: Uncertain significance for Hereditary cancer-predisposing syndrome. Last evaluated: 2018-07-12. Review status: criteria provided, single submitter. Criteria: ACMG Guidelines, 2015. Collection method: clinical testing. Allele origin: germline.

Women's Health and Genetics/Laboratory Corporation of America, LabCorp
Classification: Uncertain significance. Last evaluated: 2017-03-16. Review status: criteria provided, single submitter. Criteria: LabCorp Variant Classification Summary - May 2015. Collection method: clinical testing. Allele origin: germline.
Comment: Variant summary: The CHEK2 c.462C>G (p.Asn154Lys) variant located in the SMAD/FHA domain (via InterPro) involves the alteration of a non-conserved nucleotide and 3/4 in silico tools (SNPs&GO not captured due to low reliability index) predict a damaging outcome, although these predictions have yet to be functionally assessed. The variant of interest was observed in the large, broad control population, ExAC, with an allele frequency of 2/121336 (1/60668), which does not exceed the estimated maximal expected allele frequency for a pathogenic CHEK2 variant of 1/35211. The variant of interest has not, to our knowledge, been reported in affected individuals via publications and/or reputable databases/clinical diagnostic laboratories. Therefore, until additional information becomes available (ie, clinical and functional studies), the variant of interest has been classified as a "Variant of Uncertain Significance (VUS)."

Department of Pathology and Laboratory Medicine, Sinai Health System
Classification: Uncertain significance for Malignant tumor of breast. Review status: no assertion criteria provided. Collection method: clinical testing. Allele origin: unknown. Affected: yes. Study: The Canadian Open Genetics Repository (COGR). Not counted in ClinVar's aggregate classification.
Comment: The CHEK2 p.Asn154Lys variant was not identified in the literature. The variant was identified in dbSNP (ID: rs564924749) as "With Uncertain significance allele", and in ClinVar (classified as uncertain significance by Ambry Genetics, Color and one clinical laboratory). The variant was identified in control databases in 3 of 246208 chromosomes at a frequency of 0.00001 (Genome Aggregation Database Feb 27, 2017). The variant was observed in the South Asian population in 3 of 30782 chromosomes (freq: 0.00009), while the variant was not observed in the African, Other, Latino, European, Ashkenazi Jewish, East Asian, and Finnish, populations. The p.Asn154 residue is not conserved in mammals and computational analyses (PolyPhen-2, SIFT, AlignGVGD, BLOSUM, MutationTaster) provide inconsistent predictions regarding the impact to the protein; this information is not very predictive of pathogenicity. The variant occurs outside of the splicing consensus sequence and in silico or computational prediction software programs (SpliceSiteFinder, MaxEntScan, NNSPLICE, GeneSplicer) do not predict a difference in splicing. In summary, based on the above information the clinical significance of this variant cannot be determined with certainty at this time. This variant is classified as a variant of uncertain significance.

NM_007194.4(CHEK2):c.462C>G (p.Asn154Lys)

Gene: CHEK2 (checkpoint kinase 2; minus strand). Cytogenetic location: 22q12.1.
Variant type: single nucleotide variant.
Coding change: c.462C>G on transcript NM_007194.4 (MANE Select); coding-DNA position 462, C replaced by G.
Protein change: p.Asn154Lys; replaces asparagine 154 with lysine.
Molecular consequence: missense variant. On other transcripts: 5 prime UTR variant (2), intron variant (1).
Genome position (GRCh38, 1-based): chr22:28,725,107, G>C on the plus strand (C>G on the coding strand, the complement: CHEK2 is on the minus strand). VCF-style: chr22-28725107-G-C. GRCh37 (hg19) VCF-style: chr22-29121095-G-C.
Other names: c.591C>G, p.Asn197Lys (NM_001005735.3, NM_001438294.1); c.-316C>G (NM_001257387.3); c.-202C>G (NM_001437942.1); c.555C>G, p.Asn185Lys (NM_001438293.1, NM_001438295.1); c.462C>G, p.Asn154Lys (NM_145862.3); c.444+136C>G (NM_001349956.3); short protein forms N154K, N197K, N185K.
Identifiers: ClinVar variation 479564 (VCV000479564.17), dbSNP rs564924749, ClinGen allele CA10167990.